The following is an entry in ClinVar:

ClinVar aggregate classification (germline): Uncertain significance (1 of 4 stars; one submission).

Conditions:
Fanconi anemia (FA). Also called: Fanconi's anemia. Identifiers: Orphanet 84, MedGen C0015625, MeSH D005199, MONDO:0019391.

Submission:

Labcorp Genetics (formerly Invitae), Labcorp
Classification: Uncertain significance for Fanconi anemia. Last evaluated: 2023-07-21. Review status: criteria provided, single submitter. Criteria: Invitae Variant Classification Sherloc (09022015). Collection method: clinical testing. Allele origin: germline.
Comment: An algorithm developed to predict the effect of missense changes on protein structure and function (PolyPhen-2) suggests that this variant is likely to be tolerated. ClinVar contains an entry for this variant (Variation ID: 1957549). This variant has not been reported in the literature in individuals affected with FANCM-related conditions. This variant is not present in population databases (gnomAD no frequency). This sequence change replaces tyrosine, which is neutral and polar, with histidine, which is basic and polar, at codon 1525 of the FANCM protein (p.Tyr1525His). In summary, the available evidence is currently insufficient to determine the role of this variant in disease. Therefore, it has been classified as a Variant of Uncertain Significance.

NM_020937.4(FANCM):c.4573T>C (p.Tyr1525His)

Gene: FANCM (FA complementation group M; plus strand). Cytogenetic location: 14q21.2.
Variant type: single nucleotide variant.
Coding change: c.4573T>C on transcript NM_020937.4 (MANE Select); coding-DNA position 4573, T replaced by C.
Protein change: p.Tyr1525His; replaces tyrosine 1525 with histidine.
Molecular consequence: missense variant.
Genome position (GRCh38, 1-based): chr14:45,185,274, T>C. VCF-style: chr14-45185274-T-C. GRCh37 (hg19) VCF-style: chr14-45654477-T-C.
Other names: c.4495T>C, p.Tyr1499His (NM_001308133.2); short protein forms Y1525H, Y1499H.
Identifiers: ClinVar variation 1957549 (VCV001957549.5), dbSNP rs2503228753, ClinGen allele CA389608192.